The following is an entry in ClinVar:

NM_000165.5(GJA1):c.233G>C (p.Trp78Ser)

Gene: GJA1 (gap junction protein alpha 1; plus strand). Cytogenetic location: 6q22.31.
Variant type: single nucleotide variant.
Coding change: c.233G>C on transcript NM_000165.5 (MANE Select); coding-DNA position 233, G replaced by C.
Protein change: p.Trp78Ser; replaces tryptophan 78 with serine.
Molecular consequence: missense variant.
Genome position (GRCh38, 1-based): chr6:121,447,080, G>C. VCF-style: chr6-121447080-G-C. GRCh37 (hg19) VCF-style: chr6-121768226-G-C.
Other names: short protein forms W78S.
Identifiers: ClinVar variation 3652706 (VCV003652706.2).

ClinVar aggregate classification (germline): Uncertain significance (1 of 4 stars; one submission).

Conditions:
Oculodentodigital dysplasia, autosomal recessive. Also called: OCULODENTOOSSEOUS DYSPLASIA, AUTOSOMAL RECESSIVE; ODDD, AUTOSOMAL RECESSIVE; ODOD, AUTOSOMAL RECESSIVE. Identifiers: Orphanet 2710, MedGen C2749477, MONDO:0009768, OMIM 257850.

Submission:

Labcorp Genetics (formerly Invitae), Labcorp
Classification: Uncertain significance for Oculodentodigital dysplasia, autosomal recessive. Last evaluated: 2024-05-24. Review status: criteria provided, single submitter. Criteria: Invitae Variant Classification Sherloc (09022015). Collection method: clinical testing. Allele origin: germline.
Comment: This sequence change replaces tryptophan, which is neutral and slightly polar, with serine, which is neutral and polar, at codon 78 of the GJA1 protein (p.Trp78Ser). This variant is not present in population databases (gnomAD no frequency). This variant has not been reported in the literature in individuals affected with GJA1-related conditions. Advanced modeling of protein sequence and biophysical properties (such as structural, functional, and spatial information, amino acid conservation, physicochemical variation, residue mobility, and thermodynamic stability) performed at Invitae indicates that this missense variant is expected to disrupt GJA1 protein function with a positive predictive value of 80%. In summary, the available evidence is currently insufficient to determine the role of this variant in disease. Therefore, it has been classified as a Variant of Uncertain Significance.